The following is an entry in ClinVar:

NM_138713.4(NFAT5):c.3529G>C (p.Ala1177Pro)

Gene: NFAT5 (nuclear factor of activated T cells 5; plus strand). Cytogenetic location: 16q22.1.
Variant type: single nucleotide variant.
Coding change: c.3529G>C on transcript NM_138713.4 (MANE Select); coding-DNA position 3529, G replaced by C.
Protein change: p.Ala1177Pro; replaces alanine 1177 with proline.
Molecular consequence: missense variant.
Genome position (GRCh38, 1-based): chr16:69,693,354, G>C. VCF-style: chr16-69693354-G-C. GRCh37 (hg19) VCF-style: chr16-69727257-G-C.
Other names: c.3526G>C, p.Ala1176Pro (NM_001113178.3); c.2854G>C, p.Ala952Pro (NM_001367709.1); c.3475G>C, p.Ala1159Pro (NM_006599.4); c.3247G>C, p.Ala1083Pro (NM_138714.4, NM_173214.3, NM_173215.3); short protein forms A1083P, A1159P, A1176P, A1177P, A952P.
Identifiers: ClinVar variation 1058609 (VCV001058609.9), dbSNP rs2037631916, ClinGen allele CA396513210.
Genomic context (GRCh38, chr16:69,693,354, plus strand): 5'-AACATATTTCTTTCCCAGAGTCCCATGAATAATCTTCAGACTAACACAGTAGCCCAAGAA[G>C]CATTTTTTGCAGCACCGAACTCAATTTCTCCACTTCAGTCAACATCAAACAGTGAACAAC-3'
Protein context (NP_619727.2, residues 1167-1187): NLQTNTVAQE[Ala1177Pro]FFAAPNSISP

ClinVar aggregate classification (germline): Uncertain significance (1 of 4 stars; one submission).

Conditions:
Immunodeficiency. Identifiers: MedGen C0021051, MONDO:0021094, HP:0002721.

Allele frequency attached by ClinVar (database versions not stated): TOPMed 0.00001.

Submission:

Labcorp Genetics (formerly Invitae), Labcorp
Classification: Uncertain significance for Immunodeficiency. Last evaluated: 2020-03-05. Review status: criteria provided, single submitter. Criteria: Invitae Variant Classification Sherloc (09022015). Collection method: clinical testing. Allele origin: germline.
Comment: This sequence change replaces alanine with proline at codon 1083 of the NFAT5 protein (p.Ala1083Pro). The alanine residue is weakly conserved and there is a small physicochemical difference between alanine and proline. This variant is not present in population databases (ExAC no frequency). In summary, the available evidence is currently insufficient to determine the role of this variant in disease. Therefore, it has been classified as a Variant of Uncertain Significance. Algorithms developed to predict the effect of missense changes on protein structure and function (SIFT, PolyPhen-2, Align-GVGD) all suggest that this variant is likely to be tolerated, but these predictions have not been confirmed by published functional studies and their clinical significance is uncertain. This variant has not been reported in the literature in individuals with NFAT5-related conditions.